The following is an entry in ClinVar:

ClinVar aggregate classification (germline): Uncertain significance (1 of 4 stars; one submission).

gnomAD v4.1: 34 of 1,614,068 alleles (0.0021%); highest among the groups gnomAD compares: African/African-American, 0.0027%; no homozygotes.

Submission:

Labcorp Genetics (formerly Invitae), Labcorp
Classification: Uncertain significance. Last evaluated: 2024-02-16. Review status: criteria provided, single submitter. Criteria: Invitae Variant Classification Sherloc (09022015). Collection method: clinical testing. Allele origin: germline.
Comment: This sequence change replaces aspartic acid, which is acidic and polar, with glycine, which is neutral and non-polar, at codon 111 of the TEAD1 protein (p.Asp111Gly). This variant is present in population databases (no rsID available, gnomAD 0.007%). This variant has not been reported in the literature in individuals affected with TEAD1-related conditions. An algorithm developed to predict the effect of missense changes on protein structure and function (PolyPhen-2) suggests that this variant is likely to be tolerated. In summary, the available evidence is currently insufficient to determine the role of this variant in disease. Therefore, it has been classified as a Variant of Uncertain Significance.

NM_021961.6(TEAD1):c.332A>G (p.Asp111Gly)

Gene: TEAD1 (TEA domain transcription factor 1; plus strand). Cytogenetic location: 11p15.3.
Variant type: single nucleotide variant.
Coding change: c.332A>G on transcript NM_021961.6 (MANE Select); coding-DNA position 332, A replaced by G.
Protein change: p.Asp111Gly; replaces aspartic acid 111 with glycine.
Molecular consequence: missense variant.
Genome position (GRCh38, 1-based): chr11:12,879,709, A>G. VCF-style: chr11-12879709-A-G. GRCh37 (hg19) VCF-style: chr11-12901256-A-G.
Other names: short protein forms D111G.
Identifiers: ClinVar variation 3700332 (VCV003700332.2).
Genomic context (GRCh38, chr11:12,879,709, plus strand): 5'-TAACCTGCCTGGTAGCCATGCGTTATGTATTAAGTTGGTGTGTCACTGTCACCTTCAAGG[A>G]TCAGACTGCAAAGGATAAGGCCCTGCAGCACATGGCGGCCATGTCCTCAGCCCAGATCGT-3'
Protein context (NP_068780.2, residues 101-121): KSRDFHSKLK[Asp111Gly]QTAKDKALQH